The following is an entry in ClinVar:

ClinVar aggregate classification (germline): Uncertain significance (1 of 4 stars; one submission).

Allele frequency attached by ClinVar (database versions not stated): gnomAD exomes 0.00001 and 0.00002; TOPMed 0.00001; ExAC 0.00002; gnomAD 0.00002 and 0.00003; 1000 Genomes Project 30x 0.00016; 1000 Genomes Project 0.00020.
gnomAD v4.1: 37 of 1,593,722 alleles (0.0023%); highest among the groups gnomAD compares: Middle Eastern, 0.052%; no homozygotes.

Submission:

Labcorp Genetics (formerly Invitae), Labcorp
Classification: Uncertain significance. Last evaluated: 2025-03-16. Review status: criteria provided, single submitter. Criteria: Invitae Variant Classification Sherloc (09022015). Collection method: clinical testing. Allele origin: germline.
Comment: This sequence change replaces tyrosine, which is neutral and polar, with aspartic acid, which is acidic and polar, at codon 370 of the GEN1 protein (p.Tyr370Asp). This variant is present in population databases (rs201488023, gnomAD 0.002%). This variant has not been reported in the literature in individuals affected with GEN1-related conditions. ClinVar contains an entry for this variant (Variation ID: 1038447). An algorithm developed to predict the effect of missense changes on protein structure and function (PolyPhen-2) suggests that this variant is likely to be disruptive. In summary, the available evidence is currently insufficient to determine the role of this variant in disease. Therefore, it has been classified as a Variant of Uncertain Significance.

NM_001130009.3(GEN1):c.1108T>G (p.Tyr370Asp)

Gene: GEN1 (GEN1 structure-specific endonuclease; plus strand). Cytogenetic location: 2p24.2.
Variant type: single nucleotide variant.
Coding change: c.1108T>G on transcript NM_001130009.3 (MANE Select); coding-DNA position 1108, T replaced by G.
Protein change: p.Tyr370Asp; replaces tyrosine 370 with aspartic acid.
Molecular consequence: missense variant.
Genome position (GRCh38, 1-based): chr2:17,774,307, T>G. VCF-style: chr2-17774307-T-G. GRCh37 (hg19) VCF-style: chr2-17955574-T-G.
Other names: c.1108T>G, p.Tyr370Asp (NM_182625.5); short protein forms Y370D.
Identifiers: ClinVar variation 1038447 (VCV001038447.9), dbSNP rs201488023, ClinGen allele CA1540671.